The following is an entry in ClinVar:

NM_002474.3(MYH11):c.4499A>C (p.Glu1500Ala)

Genes: MYH11 (myosin heavy chain 11; minus strand), NDE1 (nudE neurodevelopment protein 1; plus strand). Cytogenetic location: 16p13.11.
Variant type: single nucleotide variant.
Coding change: c.4499A>C on transcript NM_002474.3 (MANE Select); coding-DNA position 4499, A replaced by C.
Protein change: p.Glu1500Ala; replaces glutamic acid 1500 with alanine.
Molecular consequence: missense variant. On other transcripts: intron variant (2).
Genome position (GRCh38, 1-based): chr16:15,721,501, T>G on the plus strand (A>C on the coding strand, the complement: MYH11 is on the minus strand). VCF-style: chr16-15721501-T-G. GRCh37 (hg19) VCF-style: chr16-15815358-T-G.
Other names: c.4520A>C, p.Glu1507Ala (NM_001040113.2, NM_001040114.2); c.4499A>C, p.Glu1500Ala (NM_022844.3); c.948-2690T>G (NM_001143979.2, NM_017668.3); short protein forms E1500A, E1507A.
Identifiers: ClinVar variation 4713114 (VCV004713114.1).

ClinVar aggregate classification (germline): Uncertain significance (1 of 4 stars; one submission).

Conditions:
Aortic aneurysm, familial thoracic 4 (AAT4). Also called: AORTIC ANEURYSM/AORTIC DISSECTION AND PATENT DUCTUS ARTERIOSUS. Identifiers: MedGen C1851504, MONDO:0007568, OMIM 132900.

gnomAD v4.1: 1 of 1,614,212 alleles (0.000062%); highest among the groups gnomAD compares: Non-Finnish European, 0.000085%; no homozygotes.

Submission:

Labcorp Genetics (formerly Invitae), Labcorp
Classification: Uncertain significance for Aortic aneurysm, familial thoracic 4. Last evaluated: 2025-02-06. Review status: criteria provided, single submitter. Criteria: Invitae Variant Classification Sherloc (09022015). Collection method: clinical testing. Allele origin: germline.
Comment: This sequence change replaces glutamic acid, which is acidic and polar, with alanine, which is neutral and non-polar, at codon 1507 of the MYH11 protein (p.Glu1507Ala). This variant is not present in population databases (gnomAD no frequency). This missense change has been observed in individual(s) with clinical features of MYH11-related disorders (internal data). Invitae Evidence Modeling of protein sequence and biophysical properties (such as structural, functional, and spatial information, amino acid conservation, physicochemical variation, residue mobility, and thermodynamic stability) indicates that this missense variant is not expected to disrupt MYH11 protein function with a negative predictive value of 95%. In summary, the available evidence is currently insufficient to determine the role of this variant in disease. Therefore, it has been classified as a Variant of Uncertain Significance.